The following is an entry in ClinVar:

NM_001369.3(DNAH5):c.10396G>A (p.Glu3466Lys)

Gene: DNAH5 (dynein axonemal heavy chain 5; minus strand). Cytogenetic location: 5p15.2.
Variant type: single nucleotide variant.
Coding change: c.10396G>A on transcript NM_001369.3 (MANE Select); coding-DNA position 10396, G replaced by A.
Protein change: p.Glu3466Lys; replaces glutamic acid 3466 with lysine.
Molecular consequence: missense variant.
Genome position (GRCh38, 1-based): chr5:13,758,869, C>T on the plus strand (G>A on the coding strand, the complement: DNAH5 is on the minus strand). VCF-style: chr5-13758869-C-T. GRCh37 (hg19) VCF-style: chr5-13758978-C-T.
Other names: c.10396G>A (NM_001369.2); short protein forms E3466K.
Identifiers: ClinVar variation 2020021 (VCV002020021.6), dbSNP rs551833939, ClinGen allele CA3202254.

ClinVar aggregate classification (germline): Conflicting classifications of pathogenicity. Review status: criteria provided, conflicting classifications (1 of 4 stars). 3 submissions from 3 submitters: Uncertain significance (2); Likely benign (1). Last evaluated 2024-08-19.

Conditions:
Primary ciliary dyskinesia. Also called: Ciliary dyskinesia. Identifiers: Orphanet 244, MedGen C0008780, MONDO:0016575, HP:0012265.

Allele frequency attached by ClinVar (database versions not stated): gnomAD exomes 0.00002; ExAC 0.00003.
gnomAD v4.1: 34 of 1,614,186 alleles (0.0021%); highest among the groups gnomAD compares: South Asian, 0.03%; 1 homozygote.

Submissions (3):

Labcorp Genetics (formerly Invitae), Labcorp
Classification: Likely benign for Primary ciliary dyskinesia. Last evaluated: 2024-08-19. Review status: criteria provided, single submitter. Criteria: Invitae Variant Classification Sherloc (09022015). Collection method: clinical testing. Allele origin: germline.

Ambry Genetics
Classification: Uncertain significance for Primary ciliary dyskinesia. Last evaluated: 2023-10-10. Review status: criteria provided, single submitter. Criteria: Ambry Variant Classification Scheme 2023. Collection method: clinical testing. Allele origin: germline.

GeneDx
Classification: Uncertain significance. Last evaluated: 2023-07-24. Review status: criteria provided, single submitter. Criteria: GeneDx Variant Classification Process June 2021. Collection method: clinical testing. Allele origin: germline. Affected: yes.
Comment: In silico analysis supports that this missense variant has a deleterious effect on protein structure/function; Has not been previously published as pathogenic or benign to our knowledge